The following is an entry in ClinVar:

NM_001127511.3(APC):c.86G>A (p.Gly29Asp)

Gene: APC (APC regulator of Wnt signaling pathway; plus strand). Cytogenetic location: 5q22.2.
Variant type: single nucleotide variant.
Coding change: c.86G>A on transcript NM_001127511.3; coding-DNA position 86, G replaced by A.
Protein change: p.Gly29Asp; replaces glycine 29 with aspartic acid.
Molecular consequence: missense variant. On other transcripts: intron variant (5), 5 prime UTR variant (8), non-coding transcript variant (1).
Genome position (GRCh38, 1-based): chr5:112,707,803, G>A. VCF-style: chr5-112707803-G-A. GRCh37 (hg19) VCF-style: chr5-112043500-G-A.
Other names: c.-19+154G>A (NM_001407458.1, NM_001407448.1, NM_001407450.1 and 1 more transcripts); c.-43+154G>A (NM_001407453.1); c.-98G>A (NM_001407452.1, NM_001407456.1, NM_001407460.1 and 3 more transcripts); c.-1133G>A (NM_001407470.1, NM_001407472.1); c.86G>A, p.Gly29Asp (NM_001354897.2, NM_001354902.2, NM_001407446.1); short protein forms G29D.
Identifiers: ClinVar variation 469792 (VCV000469792.9), dbSNP rs1337289014, ClinGen allele CA360611917.

ClinVar aggregate classification (germline): Uncertain significance. Review status: criteria provided, multiple submitters, no conflicts (2 of 4 stars). 2 submissions from 2 submitters: Uncertain significance (2). Last evaluated 2026-07-20.

Conditions:
APC-related disorder. Also called: APC-related condition.
Familial adenomatous polyposis 1 (FAP1). Also called: FAMILIAL ADENOMATOUS POLYPOSIS 1, ATTENUATED; POLYPOSIS, ADENOMATOUS INTESTINAL. Identifiers: MedGen C2713442, MONDO:0021056, OMIM 175100. Disease mechanism: loss of function.

Allele frequency attached by ClinVar (database versions not stated): gnomAD 0.00001; TOPMed 0.00004; gnomAD exomes below 0.00001.

Submissions (2):

PreventionGenetics, part of Exact Sciences
Classification: Uncertain significance for APC-related condition. Last evaluated: 2026-07-20. Review status: criteria provided, single submitter. Criteria: ACMG Guidelines, 2015. Collection method: clinical testing. Allele origin: germline.
Comment: The APC c.86G>A variant is predicted to result in the amino acid substitution p.Gly29Asp. To our knowledge, this variant has not been reported in the literature or in gnomAD, indicating that it is rare. This variant is interpreted as uncertain in ClinVar (Variation ID: 469792). At this time, the clinical significance of this variant is uncertain due to the absence of conclusive functional and genetic evidence.

Labcorp Genetics (formerly Invitae), Labcorp
Classification: Uncertain significance for Familial adenomatous polyposis 1. Last evaluated: 2026-01-18. Review status: criteria provided, single submitter. Criteria: Invitae Variant Classification Sherloc (09022015). Collection method: clinical testing. Allele origin: germline.
Comment: This variant occurs in a non-coding region of the APC gene. It does not change the encoded amino acid sequence of the APC protein. This variant is present in population databases (no rsID available, gnomAD no frequency). This variant has not been reported in the literature in individuals affected with APC-related conditions. ClinVar contains an entry for this variant (Variation ID: 469792). Experimental studies and prediction algorithms are not available or were not evaluated, and the functional significance of this variant is currently unknown. In summary, the available evidence is currently insufficient to determine the role of this variant in disease. Therefore, it has been classified as a Variant of Uncertain Significance.